The following is an entry in ClinVar:

NM_005901.6(SMAD2):c.1183G>T (p.Ala395Ser)

Gene: SMAD2 (SMAD family member 2; minus strand). Cytogenetic location: 18q21.1.
Variant type: single nucleotide variant.
Coding change: c.1183G>T on transcript NM_005901.6 (MANE Select); coding-DNA position 1183, G replaced by T.
Protein change: p.Ala395Ser; replaces alanine 395 with serine.
Molecular consequence: missense variant.
Genome position (GRCh38, 1-based): chr18:47,845,437, C>A on the plus strand (G>T on the coding strand, the complement: SMAD2 is on the minus strand). VCF-style: chr18-47845437-C-A. GRCh37 (hg19) VCF-style: chr18-45371808-C-A.
Other names: c.1183G>T, p.Ala395Ser (NM_001003652.4); c.1093G>T, p.Ala365Ser (NM_001135937.3); short protein forms A365S, A395S.
Identifiers: ClinVar variation 3445808 (VCV003445808.3).

ClinVar aggregate classification (germline): Uncertain significance. Review status: criteria provided, multiple submitters, no conflicts (2 of 4 stars). 2 submissions from 2 submitters: Uncertain significance (2). Last evaluated 2024-11-17.

Conditions:
Inborn genetic diseases. Identifiers: MedGen C0950123, MeSH D030342.

gnomAD v4.1: 2 of 1,613,258 alleles (0.00012%); highest among the groups gnomAD compares: Non-Finnish European, 0.00017%; no homozygotes.

Submissions (2):

Ambry Genetics
Classification: Uncertain significance for Inborn genetic diseases. Last evaluated: 2024-11-17. Review status: criteria provided, single submitter. Criteria: Ambry Variant Classification Scheme 2023. Collection method: clinical testing. Allele origin: germline.
Comment: The p.A395S variant (also known as c.1183G>T), located in coding exon 9 of the SMAD2 gene, results from a G to T substitution at nucleotide position 1183. The alanine at codon 395 is replaced by serine, an amino acid with similar properties. This amino acid position is conserved. In addition, the in silico prediction for this alteration is inconclusive. Based on the available evidence, the clinical significance of this variant remains unclear.

Labcorp Genetics (formerly Invitae), Labcorp
Classification: Uncertain significance. Last evaluated: 2024-10-16. Review status: criteria provided, single submitter. Criteria: Invitae Variant Classification Sherloc (09022015). Collection method: clinical testing. Allele origin: germline.
Comment: This sequence change replaces alanine, which is neutral and non-polar, with serine, which is neutral and polar, at codon 395 of the SMAD2 protein (p.Ala395Ser). This variant is present in population databases (rs747866189, gnomAD 0.006%). This variant has not been reported in the literature in individuals affected with SMAD2-related conditions. Invitae Evidence Modeling of protein sequence and biophysical properties (such as structural, functional, and spatial information, amino acid conservation, physicochemical variation, residue mobility, and thermodynamic stability) indicates that this missense variant is not expected to disrupt SMAD2 protein function with a negative predictive value of 80%. In summary, the available evidence is currently insufficient to determine the role of this variant in disease. Therefore, it has been classified as a Variant of Uncertain Significance.